The following is an entry in ClinVar:

NM_033026.6(PCLO):c.1110G>T (p.Lys370Asn)

Gene: PCLO (piccolo presynaptic cytomatrix protein; minus strand). Cytogenetic location: 7q21.11.
Variant type: single nucleotide variant.
Coding change: c.1110G>T on transcript NM_033026.6 (MANE Select); coding-DNA position 1110, G replaced by T.
Protein change: p.Lys370Asn; replaces lysine 370 with asparagine.
Molecular consequence: missense variant.
Genome position (GRCh38, 1-based): chr7:83,155,531, C>A on the plus strand (G>T on the coding strand, the complement: PCLO is on the minus strand). VCF-style: chr7-83155531-C-A. GRCh37 (hg19) VCF-style: chr7-82784847-C-A.
Other names: c.1110G>T, p.Lys370Asn (NM_014510.3); short protein forms K370N.
Identifiers: ClinVar variation 1509289 (VCV001509289.10), dbSNP rs746147472, ClinGen allele CA4321521.

ClinVar aggregate classification (germline): Conflicting classifications of pathogenicity. Review status: criteria provided, conflicting classifications (1 of 4 stars). 3 submissions from 3 submitters: Uncertain significance (2); Benign (1). Last evaluated 2025-12-30.

Conditions:
Inborn genetic diseases. Identifiers: MedGen C0950123, MeSH D030342.

Allele frequency attached by ClinVar (database versions not stated): ExAC 0.00007; gnomAD exomes 0.00007; TOPMed 0.00008.
gnomAD v4.1: 24 of 1,612,704 alleles (0.0015%); highest among the groups gnomAD compares: Admixed American, 0.037%; no homozygotes.

Submissions (3):

Labcorp Genetics (formerly Invitae), Labcorp
Classification: Benign. Last evaluated: 2025-12-30. Review status: criteria provided, single submitter. Criteria: Invitae Variant Classification Sherloc (09022015). Collection method: clinical testing. Allele origin: germline.

Ambry Genetics
Classification: Uncertain significance for Inborn genetic diseases. Last evaluated: 2025-07-15. Review status: criteria provided, single submitter. Criteria: Ambry Variant Classification Scheme 2023. Collection method: clinical testing. Allele origin: germline.

Greenwood Genetic Center Diagnostic Laboratories, Greenwood Genetic Center
Classification: Uncertain significance. Last evaluated: 2024-01-25. Review status: criteria provided, single submitter. Criteria: ACMG Guidelines, 2015. Collection method: clinical testing. Allele origin: germline. Affected: yes.
Comment: PM2